The following is an entry in ClinVar:

ClinVar aggregate classification (germline): Uncertain significance (1 of 4 stars; one submission).

Submission:

Labcorp Genetics (formerly Invitae), Labcorp
Classification: Uncertain significance. Last evaluated: 2024-01-19. Review status: criteria provided, single submitter. Criteria: Invitae Variant Classification Sherloc (09022015). Collection method: clinical testing. Allele origin: germline.
Comment: This variant results in a copy number gain of the genomic region encompassing exon(s) 2 of the LRP2 gene. While the exact position of this variant cannot be determined from the data, sub-genic copy number gains are generally in tandem (PMID: 25640679). This variant is predicted to be in-frame, and likely preserves the integrity of the reading frame. This variant has not been reported in the literature in individuals affected with LRP2-related conditions. Experimental studies and prediction algorithms are not available or were not evaluated, and the functional significance of this variant is currently unknown. In summary, the available evidence is currently insufficient to determine the role of this variant in disease. Therefore, it has been classified as a Variant of Uncertain Significance.

Literature cited by the submitters: PubMed 25640679.

NC_000002.11:g.(?_170177271)_(170178245_?)dup

Gene: LRP2 (LDL receptor related protein 2; minus strand). Cytogenetic location: 2q31.1.
Variant type: Duplication.
Identifiers: ClinVar variation 1451102 (VCV001451102.5).